The following is an entry in ClinVar:

NM_020987.5(ANK3):c.8208A>C (p.Glu2736Asp)

Gene: ANK3 (ankyrin 3; minus strand). Cytogenetic location: 10q21.2.
Variant type: single nucleotide variant.
Coding change: c.8208A>C on transcript NM_020987.5 (MANE Select); coding-DNA position 8208, A replaced by C.
Protein change: p.Glu2736Asp; replaces glutamic acid 2736 with aspartic acid.
Molecular consequence: missense variant. On other transcripts: intron variant (4).
Genome position (GRCh38, 1-based): chr10:60,072,673, T>G on the plus strand (A>C on the coding strand, the complement: ANK3 is on the minus strand). VCF-style: chr10-60072673-T-G. GRCh37 (hg19) VCF-style: chr10-61832431-T-G.
Other names: c.4388-4664A>C (NM_001204403.2); c.4409-4664A>C (NM_001204404.2); c.4406-4664A>C (NM_001320874.2); c.1808-4664A>C (NM_001149.4); short protein forms E2736D.
Identifiers: ClinVar variation 930429 (VCV000930429.3), dbSNP rs2082962014, ClinGen allele CA377008355.

ClinVar aggregate classification (germline): Uncertain significance (1 of 4 stars; one submission).

Conditions:
Intellectual developmental disorder, autosomal recessive 37. Also called: Intellectual disability-hypotonia-spasticity-sleep disorder syndrome. Identifiers: Orphanet 356996, MedGen C3809672, MONDO:0014210, OMIM 615493.

Submission:

Centre for Mendelian Genomics, University Medical Centre Ljubljana
Classification: Uncertain significance for Intellectual developmental disorder, autosomal recessive 37. Last evaluated: 2019-05-06. Review status: criteria provided, single submitter. Criteria: ACMG Guidelines, 2015. Collection method: clinical testing. Allele origin: unknown. Affected: yes.
Comment: This variant was classified as: Uncertain significance. The available evidence favors the benign nature of this variant, however the evidence is insufficent to prove its benign nature. The following ACMG criteria were applied in classifying this variant: PM2.